The following is an entry in ClinVar:

ClinVar aggregate classification (germline): Uncertain significance. Review status: criteria provided, multiple submitters, no conflicts (2 of 4 stars). 10 submissions from 6 submitters: Uncertain significance (10). Last evaluated 2026-04-20.

Conditions:
Cardiovascular phenotype. Identifiers: MedGen CN230736.
Autosomal recessive limb-girdle muscular dystrophy type 2J (LGMDR10). Also called: Limb-girdle muscular dystrophy, type 2J; MUSCULAR DYSTROPHY, LIMB-GIRDLE, AUTOSOMAL RECESSIVE 10. Identifiers: Orphanet 140922, MedGen C1837342, MONDO:0012127, OMIM 608807.
Dilated cardiomyopathy 1G (CMD1G). Identifiers: Orphanet 154, MedGen C1858763, MONDO:0011400, OMIM 604145.
TTN-related disorder. Also called: TTN-related condition; TTN-related disease; TTN-related disorders.
Hypertrophic cardiomyopathy 9. Also called: Familial hypertrophic cardiomyopathy 9. Identifiers: MedGen C1861065, MONDO:0013412, OMIM 613765.
Myopathy, myofibrillar, 9, with early respiratory failure (MFM9). Also called: Hereditary myopathy with early respiratory failure; MYOPATHY, PROXIMAL, WITH EARLY RESPIRATORY MUSCLE INVOLVEMENT; EDSTROM MYOPATHY; Myopathy, distal, with early respiratory failure, autosomal dominant. Identifiers: Orphanet 178464, Orphanet 34521, MedGen C1863599, MONDO:0011362, OMIM 603689.
Tibial muscular dystrophy (TMD). Also called: Udd Distal Myopathy – Tibial Muscular Dystrophy; UDD MYOPATHY; Tibial muscular dystrophy, tardive. Identifiers: Orphanet 609, MedGen C1838244, MONDO:0010870, OMIM 600334.
Early-onset myopathy with fatal cardiomyopathy (CMYO5). Also called: Salih Myopathy; CONGENITAL MYOPATHY 5 WITH CARDIOMYOPATHY. Identifiers: Orphanet 289377, MedGen C2673677, MONDO:0012714, OMIM 611705. Disease mechanism: loss of function.

Allele frequency attached by ClinVar (database versions not stated): gnomAD exomes 0.00001 and 0.00003; ExAC 0.00002; gnomAD 0.00007 and 0.00008; TOPMed 0.00007.
gnomAD v4.1: 32 of 1,602,020 alleles (0.002%); highest among the groups gnomAD compares: Admixed American, 0.017%; no homozygotes.

Submissions (10):

PreventionGenetics, part of Exact Sciences
Classification: Uncertain significance for TTN-related condition. Last evaluated: 2026-04-20. Review status: criteria provided, single submitter. Criteria: ACMG Guidelines, 2015. Collection method: clinical testing. Allele origin: germline.
Comment: The TTN c.57559G>A variant is predicted to result in the amino acid substitution p.Val19187Ile. To our knowledge, this variant has not been reported in the literature. This variant is reported in 0.0091% of alleles in individuals of Latino descent in gnomAD. At this time, the clinical significance of this variant is uncertain due to the absence of conclusive functional and genetic evidence.

Revvity Omics, Revvity
Classification: Uncertain significance. Last evaluated: 2022-04-05. Review status: criteria provided, single submitter. Criteria: ACMG Guidelines, 2015. Collection method: clinical testing. Allele origin: germline.

Fulgent Genetics
Classification: Uncertain significance for Tibial muscular dystrophy; Myopathy, myofibrillar, 9, with early respiratory failure; Dilated cardiomyopathy 1G; Autosomal recessive limb-girdle muscular dystrophy type 2J; Early-onset myopathy with fatal cardiomyopathy; Hypertrophic cardiomyopathy 9. Last evaluated: 2021-11-16. Review status: criteria provided, single submitter. Criteria: ACMG Guidelines, 2015. Collection method: clinical testing. Allele origin: unknown.

Ambry Genetics
Classification: Uncertain significance for Cardiovascular phenotype. Last evaluated: 2020-01-28. Review status: criteria provided, single submitter. Criteria: Ambry Variant Classification Scheme 2023. Collection method: clinical testing. Allele origin: germline.
Comment: The p.V10122I variant (also known as c.30364G>A), located in coding exon 122 of the TTN gene, results from a G to A substitution at nucleotide position 30364. The valine at codon 10122 is replaced by isoleucine, an amino acid with highly similar properties. This amino acid position is highly conserved in available vertebrate species. In addition, this alteration is predicted to be tolerated by in silico analysis. Since supporting evidence is limited at this time, the clinical significance of this alteration remains unclear.

Illumina Laboratory Services, Illumina
Classification: Uncertain significance for Tibial muscular dystrophy. Last evaluated: 2018-01-12. Review status: criteria provided, single submitter. Criteria: ICSL Variant Classification Criteria 13 December 2019. Collection method: clinical testing. Allele origin: germline.

Illumina Laboratory Services, Illumina
Classification: Uncertain significance for Autosomal recessive limb-girdle muscular dystrophy type 2J. Last evaluated: 2018-01-12. Review status: criteria provided, single submitter. Criteria: ICSL Variant Classification Criteria 13 December 2019. Collection method: clinical testing. Allele origin: germline.

Illumina Laboratory Services, Illumina
Classification: Uncertain significance for Dilated cardiomyopathy 1G. Last evaluated: 2018-01-12. Review status: criteria provided, single submitter. Criteria: ICSL Variant Classification Criteria 13 December 2019. Collection method: clinical testing. Allele origin: germline.

Illumina Laboratory Services, Illumina
Classification: Uncertain significance for Early-onset myopathy with fatal cardiomyopathy. Last evaluated: 2018-01-12. Review status: criteria provided, single submitter. Criteria: ICSL Variant Classification Criteria 13 December 2019. Collection method: clinical testing. Allele origin: germline.

Illumina Laboratory Services, Illumina
Classification: Uncertain significance for Myopathy, myofibrillar, 9, with early respiratory failure. Last evaluated: 2018-01-12. Review status: criteria provided, single submitter. Criteria: ICSL Variant Classification Criteria 13 December 2019. Collection method: clinical testing. Allele origin: germline.

Labcorp Genetics (formerly Invitae), Labcorp
Classification: Uncertain significance for Dilated cardiomyopathy 1G; Autosomal recessive limb-girdle muscular dystrophy type 2J. Last evaluated: 2017-07-17. Review status: criteria provided, single submitter. Criteria: Invitae Variant Classification Sherloc (09022015). Collection method: clinical testing. Allele origin: germline.

NM_001267550.2(TTN):c.57559G>A (p.Val19187Ile)

Genes: TTN (titin; minus strand), TTN-AS1 (TTN antisense RNA 1; plus strand). Cytogenetic location: 2q31.2.
Variant type: single nucleotide variant.
Coding change: c.57559G>A on transcript NM_001267550.2 (MANE Select); coding-DNA position 57559, G replaced by A.
Protein change: p.Val19187Ile; replaces valine 19187 with isoleucine.
Molecular consequence: missense variant.
Genome position (GRCh38, 1-based): chr2:178,595,795, C>T on the plus strand (G>A on the coding strand, the complement: TTN is on the minus strand). VCF-style: chr2-178595795-C-T. GRCh37 (hg19) VCF-style: chr2-179460522-C-T.
Other names: c.52636G>A, p.Val17546Ile (NM_001256850.1); c.30364G>A, p.Val10122Ile (NM_003319.4); c.49855G>A, p.Val16619Ile (NM_133378.4); c.30739G>A, p.Val10247Ile (NM_133432.3); c.30940G>A, p.Val10314Ile (NM_133437.4); short protein forms V19187I, V10122I, V10314I, V16619I, V17546I, V10247I.
Identifiers: ClinVar variation 467303 (VCV000467303.13), dbSNP rs764203267, ClinGen allele CA1993021.